The following is an entry in ClinVar:

NM_020822.3(KCNT1):c.1036-3C>T

Gene: KCNT1 (potassium sodium-activated channel subfamily T member 1; plus strand). Cytogenetic location: 9q34.3.
Variant type: single nucleotide variant.
Coding change: c.1036-3C>T on transcript NM_020822.3 (MANE Select); 3 bases into the intron before coding-DNA position 1036, C replaced by T.
Molecular consequence: intron variant.
Genome position (GRCh38, 1-based): chr9:135,765,028, C>T. VCF-style: chr9-135765028-C-T. GRCh37 (hg19) VCF-style: chr9-138656874-C-T.
Other names: c.901-3C>T (NM_001272003.2).
Identifiers: ClinVar variation 1772582 (VCV001772582.9), dbSNP rs761954322, ClinGen allele CA5326758.
Genomic context (GRCh38, chr9:135,765,028, plus strand): 5'-CTTCACCGGGAGCCCTCGCTCCCCAGGCCTGGTCGCTGGTGCTCACCTGTTTCTCACCTG[C>T]AGTTCGAGGAGCTCGTCTACCTCTGGATGGAGCGGCAGAAGTCAGGGGGCAACTACAGCC-3'

ClinVar aggregate classification (germline): Conflicting classifications of pathogenicity. Review status: criteria provided, conflicting classifications (1 of 4 stars). 3 submissions from 3 submitters: Uncertain significance (2); Likely benign (1). Last evaluated 2024-09-17.

Conditions:
Autosomal dominant nocturnal frontal lobe epilepsy 5. Also called: CILIARY DYSKINESIA, PRIMARY, 28, WITHOUT SITUS INVERSUS; Epilepsy, nocturnal frontal lobe, 5; KCNT1-Related Epilepsy; CILIARY DYSKINESIA, PRIMARY, 28, WITH SITUS INVERSUS. Identifiers: Orphanet 98784, MedGen C3554306, MONDO:0014002, OMIM 615005.
Developmental and epileptic encephalopathy, 14 (DEE14). Also called: Early infantile epileptic encephalopathy 14. Identifiers: Orphanet 293181, MedGen C3554195, MONDO:0013989, OMIM 614959.
Inborn genetic diseases. Identifiers: MedGen C0950123, MeSH D030342.

Allele frequency attached by ClinVar (database versions not stated): TOPMed 0.00005; gnomAD 0.00001; gnomAD exomes 0.00001; ExAC 0.00002.
gnomAD v4.1: 12 of 1,603,918 alleles (0.00075%); highest among the groups gnomAD compares: East Asian, 0.027%; 1 homozygote.

Submissions (3):

Ambry Genetics
Classification: Likely benign for Inborn genetic diseases. Last evaluated: 2024-09-17. Review status: criteria provided, single submitter. Criteria: Ambry Variant Classification Scheme 2023. Collection method: clinical testing. Allele origin: germline.

Labcorp Genetics (formerly Invitae), Labcorp
Classification: Uncertain significance for Autosomal dominant nocturnal frontal lobe epilepsy 5; Developmental and epileptic encephalopathy, 14. Last evaluated: 2024-08-23. Review status: criteria provided, single submitter. Criteria: Invitae Variant Classification Sherloc (09022015). Collection method: clinical testing. Allele origin: germline.
Comment: This sequence change falls in intron 11 of the KCNT1 gene. It does not directly change the encoded amino acid sequence of the KCNT1 protein. It affects a nucleotide within the consensus splice site. This variant is present in population databases (rs761954322, gnomAD 0.04%). This variant has not been reported in the literature in individuals affected with KCNT1-related conditions. ClinVar contains an entry for this variant (Variation ID: 1772582). Variants that disrupt the consensus splice site are a relatively common cause of aberrant splicing (PMID: 17576681, 9536098). Algorithms developed to predict the effect of sequence changes on RNA splicing suggest that this variant is not likely to affect RNA splicing. In summary, the available evidence is currently insufficient to determine the role of this variant in disease. Therefore, it has been classified as a Variant of Uncertain Significance.

Revvity Omics, Revvity
Classification: Uncertain significance. Last evaluated: 2022-01-18. Review status: criteria provided, single submitter. Criteria: ACMG Guidelines, 2015. Collection method: clinical testing. Allele origin: germline.

Literature cited by the submitters: PubMed 17576681 (cited by Labcorp Genetics (formerly Invitae), Labcorp); PubMed 9536098 (cited by Labcorp Genetics (formerly Invitae), Labcorp).